The following is an entry in ClinVar:

ClinVar aggregate classification (germline): Likely benign. Review status: criteria provided, multiple submitters, no conflicts (2 of 4 stars). 2 submissions from 2 submitters: Likely benign (2). Last evaluated 2026-03-01.

gnomAD v4.1: 3 of 1,614,150 alleles (0.00019%); highest among the groups gnomAD compares: Non-Finnish European, 0.000085%; no homozygotes.

Submissions (2):

CeGaT Center for Human Genetics Tuebingen
Classification: Likely benign. Last evaluated: 2026-03-01. Review status: criteria provided, single submitter. Criteria: CeGaT Center For Human Genetics Tuebingen Variant Classification Criteria Version 2. Collection method: clinical testing. Allele origin: germline. Affected: yes. Observed: 1 variant allele.
Comment: RHOBTB2: BP4, BP7

Blueprint Genetics
Classification: Likely benign. Last evaluated: 2023-11-27. Review status: criteria provided, single submitter. Criteria: ACMG Guidelines, 2015. Collection method: clinical testing. Allele origin: germline.

NM_015178.3(RHOBTB2):c.624C>A (p.Leu208=)

Gene: RHOBTB2 (Rho related BTB domain containing 2; plus strand). Cytogenetic location: 8p21.3.
Variant type: single nucleotide variant.
Coding change: c.624C>A on transcript NM_015178.3 (MANE Select); coding-DNA position 624, C replaced by A.
Protein change: p.Leu208=; no amino-acid change (leucine 208 retained).
Molecular consequence: synonymous variant.
Genome position (GRCh38, 1-based): chr8:23,006,869, C>A. VCF-style: chr8-23006869-C-A. GRCh37 (hg19) VCF-style: chr8-22864382-C-A.
Other names: c.690C>A, p.Leu230= (NM_001160036.2); c.645C>A, p.Leu215= (NM_001160037.2); c.624C>A, p.Leu208= (NM_001374791.1).
Identifiers: ClinVar variation 4821037 (VCV004821037.5).